The following is an entry in ClinVar:

NM_052865.4(MGME1):c.347A>C (p.Asp116Ala)

Genes: MGME1 (mitochondrial genome maintenance exonuclease 1; plus strand), LOC126862983 (CDK7 strongly-dependent group 2 enhancer GRCh37_chr20:17950167-17951366; plus strand). Cytogenetic location: 20p11.23.
Variant type: single nucleotide variant.
Coding change: c.347A>C on transcript NM_052865.4 (MANE Select); coding-DNA position 347, A replaced by C.
Protein change: p.Asp116Ala; replaces aspartic acid 116 with alanine.
Molecular consequence: missense variant. On other transcripts: intron variant (1).
Genome position (GRCh38, 1-based): chr20:17,970,206, A>C. VCF-style: chr20-17970206-A-C. GRCh37 (hg19) VCF-style: chr20-17950849-A-C.
Other names: c.347A>C, p.Asp116Ala (NM_001310338.2, NM_001310339.2); c.271+76A>C (NM_001363738.2); short protein forms D116A.
Identifiers: ClinVar variation 1916693 (VCV001916693.2), dbSNP rs1456025084, ClinGen allele CA408339274.

ClinVar aggregate classification (germline): Uncertain significance (1 of 4 stars; one submission).

Allele frequency attached by ClinVar (database versions not stated): gnomAD exomes below 0.00001.
gnomAD v4.1: 1 of 1,614,232 alleles (0.000062%); highest among the groups gnomAD compares: Admixed American, 0.0017%; no homozygotes.

Submission:

Labcorp Genetics (formerly Invitae), Labcorp
Classification: Uncertain significance. Last evaluated: 2022-08-07. Review status: criteria provided, single submitter. Criteria: Invitae Variant Classification Sherloc (09022015). Collection method: clinical testing. Allele origin: germline.
Comment: This sequence change replaces aspartic acid, which is acidic and polar, with alanine, which is neutral and non-polar, at codon 116 of the MGME1 protein (p.Asp116Ala). This variant is present in population databases (no rsID available, gnomAD 0.003%). This variant has not been reported in the literature in individuals affected with MGME1-related conditions. Algorithms developed to predict the effect of missense changes on protein structure and function output the following: SIFT: "Tolerated"; PolyPhen-2: "Benign"; Align-GVGD: "Class C0". The alanine amino acid residue is found in multiple mammalian species, which suggests that this missense change does not adversely affect protein function. In summary, the available evidence is currently insufficient to determine the role of this variant in disease. Therefore, it has been classified as a Variant of Uncertain Significance.